The following is an entry in ClinVar:

NM_000213.5(ITGB4):c.4249C>T (p.Pro1417Ser)

Genes: GALK1 (galactokinase 1; minus strand), ITGB4 (integrin subunit beta 4; plus strand). Cytogenetic location: 17q25.1.
Variant type: single nucleotide variant.
Coding change: c.4249C>T on transcript NM_000213.5 (MANE Select); coding-DNA position 4249, C replaced by T.
Protein change: p.Pro1417Ser; replaces proline 1417 with serine.
Molecular consequence: missense variant. On other transcripts: intron variant (5).
Genome position (GRCh38, 1-based): chr17:75,753,905, C>T. VCF-style: chr17-75753905-C-T. GRCh37 (hg19) VCF-style: chr17-73749986-C-T.
Other names: c.4109-671C>T (NM_001005619.2, NM_001005731.3, NM_001438834.1 and 1 more transcripts); c.*23-2168G>A (NM_001381985.1); short protein forms P1417S.
Identifiers: ClinVar variation 2634461 (VCV002634461.1), dbSNP rs2545861309, ClinGen allele CA401083599.

ClinVar aggregate classification (germline): Uncertain significance (1 of 4 stars; one submission).

Conditions:
ITGB4-related disorder. Also called: ITGB4-related condition.

Submission:

PreventionGenetics, part of Exact Sciences
Classification: Uncertain significance for ITGB4-related condition. Last evaluated: 2023-04-08. Review status: criteria provided, single submitter. Criteria: ACMG Guidelines, 2015. Collection method: clinical testing. Allele origin: germline.
Comment: The ITGB4 c.4249C>T variant is predicted to result in the amino acid substitution p.Pro1417Ser. To our knowledge, this variant has not been reported in the literature or in a large population database, indicating this variant is rare. At this time, the clinical significance of this variant is uncertain due to the absence of conclusive functional and genetic evidence.